The following is an entry in ClinVar:

NM_000320.3(QDPR):c.265G>C (p.Gly89Arg)

Gene: QDPR (quinoid dihydropteridine reductase; minus strand). Cytogenetic location: 4p15.32.
Variant type: single nucleotide variant.
Coding change: c.265G>C on transcript NM_000320.3 (MANE Select); coding-DNA position 265, G replaced by C.
Protein change: p.Gly89Arg; replaces glycine 89 with arginine.
Molecular consequence: missense variant. On other transcripts: non-coding transcript variant (1).
Genome position (GRCh38, 1-based): chr4:17,504,409, C>G on the plus strand (G>C on the coding strand, the complement: QDPR is on the minus strand). VCF-style: chr4-17504409-C-G. GRCh37 (hg19) VCF-style: chr4-17506032-C-G.
Other names: c.172G>C, p.Gly58Arg (NM_001306140.2); short protein forms G58R, G89R.
Identifiers: ClinVar variation 1474330 (VCV001474330.6), dbSNP rs1184906056, ClinGen allele CA356450321.

ClinVar aggregate classification (germline): Likely pathogenic (1 of 4 stars; one submission).

Conditions:
Dihydropteridine reductase deficiency (HPABH4C). Also called: DHPR DEFICIENCY; BH4-Deficient Hyperphenylalaninemia C; Hyperphenylalaninemia due to dihydropteridine reductase deficiency; Hyperphenylalaninemia, BH-4-deficient, C; Phenylketonuria type 2; HYPERPHENYLALANINEMIA, TETRAHYDROBIOPTERIN-DEFICIENT, DUE TO DHPR DEFICIENCY. Identifiers: Orphanet 226, Orphanet 238583, MedGen C0268465, MONDO:0009862, OMIM 261630.

Allele frequency attached by ClinVar (database versions not stated): gnomAD exomes below 0.00001.
gnomAD v4.1: 2 of 1,614,190 alleles (0.00012%); highest among the groups gnomAD compares: African/African-American, 0.0013%; no homozygotes.

Submission:

Labcorp Genetics (formerly Invitae), Labcorp
Classification: Likely pathogenic for Dihydropteridine reductase deficiency. Last evaluated: 2024-10-22. Review status: criteria provided, single submitter. Criteria: Invitae Variant Classification Sherloc (09022015). Collection method: clinical testing. Allele origin: germline.
Comment: This sequence change replaces glycine, which is neutral and non-polar, with arginine, which is basic and polar, at codon 89 of the QDPR protein (p.Gly89Arg). This variant is present in population databases (no rsID available, gnomAD 0.0009%). This missense change has been observed in individual(s) with biopterin-deficient hyperphenylalaninemia (PMID: 27246466). ClinVar contains an entry for this variant (Variation ID: 1474330). An algorithm developed to predict the effect of missense changes on protein structure and function (PolyPhen-2) suggests that this variant is likely to be disruptive. This variant disrupts the p.Gly89 amino acid residue in QDPR. Other variant(s) that disrupt this residue have been observed in individuals with QDPR-related conditions (PMID: 27246466), which suggests that this may be a clinically significant amino acid residue. In summary, the currently available evidence indicates that the variant is pathogenic, but additional data are needed to prove that conclusively. Therefore, this variant has been classified as Likely Pathogenic.

Literature cited by the submitters: PubMed 27246466.